The following is an entry in ClinVar:

NM_032444.4(SLX4):c.231A>G (p.Gln77=)

Gene: SLX4 (SLX4 structure-specific endonuclease subunit; minus strand). Cytogenetic location: 16p13.3.
Variant type: single nucleotide variant.
Coding change: c.231A>G on transcript NM_032444.4 (MANE Select); coding-DNA position 231, A replaced by G.
Protein change: p.Gln77=; no amino-acid change (glutamine 77 retained).
Molecular consequence: synonymous variant.
Genome position (GRCh38, 1-based): chr16:3,608,734, T>C on the plus strand (A>G on the coding strand, the complement: SLX4 is on the minus strand). VCF-style: chr16-3608734-T-C. GRCh37 (hg19) VCF-style: chr16-3658735-T-C.
Other names: c.231A>G (LRG_503t1).
Identifiers: ClinVar variation 241670 (VCV000241670.44), dbSNP rs143279888, ClinGen allele CA7866923.

ClinVar aggregate classification (germline): Conflicting classifications of pathogenicity. Review status: criteria provided, conflicting classifications (1 of 4 stars). 6 submissions from 6 submitters: Uncertain significance (1); Benign (2); Likely benign (3). Last evaluated 2026-04-01.

Conditions:
Fanconi anemia (FA). Also called: Fanconi's anemia. Identifiers: Orphanet 84, MedGen C0015625, MeSH D005199, MONDO:0019391.
Fanconi anemia complementation group P. Also called: SLX4-Related Fanconi Anemia. Identifiers: Orphanet 84, MedGen C3469542, MONDO:0013499, OMIM 613951.

Allele frequency attached by ClinVar (database versions not stated): ESP Exome Variant Server 0.00023; gnomAD exomes 0.00032 and 0.00069; gnomAD 0.00036 and 0.00038; TOPMed 0.00036; ExAC 0.00063.
gnomAD v4.1: 566 of 1,614,108 alleles (0.035%); highest among the groups gnomAD compares: Admixed American, 0.017%; 6 homozygotes.

Submissions (6):

CeGaT Center for Human Genetics Tuebingen
Classification: Likely benign. Last evaluated: 2026-04-01. Review status: criteria provided, single submitter. Criteria: CeGaT Center For Human Genetics Tuebingen Variant Classification Criteria Version 2. Collection method: clinical testing. Allele origin: germline. Affected: yes. Observed: 5 variant alleles.
Comment: SLX4: BP4, BP7

Labcorp Genetics (formerly Invitae), Labcorp
Classification: Benign for Fanconi anemia. Last evaluated: 2026-01-25. Review status: criteria provided, single submitter. Criteria: Invitae Variant Classification Sherloc (09022015). Collection method: clinical testing. Allele origin: germline.

Blueprint Genetics
Classification: Likely benign. Last evaluated: 2024-10-25. Review status: criteria provided, single submitter. Criteria: ACMG Guidelines, 2015. Collection method: clinical testing. Allele origin: germline.

Genetic Services Laboratory, University of Chicago
Classification: Benign. Last evaluated: 2021-08-03. Review status: criteria provided, single submitter. Criteria: ACMG Guidelines, 2015. Collection method: clinical testing. Allele origin: germline. Affected: no.

Illumina Laboratory Services, Illumina
Classification: Uncertain significance for Fanconi anemia complementation group P. Last evaluated: 2018-01-13. Review status: criteria provided, single submitter. Criteria: ICSL Variant Classification Criteria 13 December 2019. Collection method: clinical testing. Allele origin: germline.

PreventionGenetics, part of Exact Sciences
Classification: Likely benign. Review status: criteria provided, single submitter. Criteria: ACMG Guidelines, 2015. Collection method: clinical testing. Allele origin: germline.